The following is an entry in ClinVar:

ClinVar aggregate classification (germline): Likely pathogenic. Review status: reviewed by expert panel (3 of 4 stars). 2 submissions from 2 submitters: Likely pathogenic (1). 1 of the submissions does not count toward it. Last evaluated 2024-02-05.

Conditions:
Severe combined immunodeficiency, autosomal recessive, T cell-negative, B cell-negative, NK cell-negative, due to adenosine deaminase deficiency. Also called: SCID DUE TO ADA DEFICIENCY; SCID DUE TO ADA DEFICIENCY, EARLY-ONSET; ADA deficiency; Adenosine deaminase deficient severe combined immunodeficiency; Severe combined immunodeficiency due to ADA deficiency; ADA-SCID. Identifiers: Orphanet 277, MedGen C0392607, MONDO:0007064, OMIM 102700.

Submissions (2):

ClinGen Severe Combined Immunodeficiency Variant Curation Expert Panel, ClinGen
Classification: Likely pathogenic for Severe combined immunodeficiency, autosomal recessive, T cell-negative, B cell-negative, NK cell-negative, due to adenosine deaminase deficiency. Last evaluated: 2024-02-05. Review status: reviewed by expert panel. Criteria: ClinGen SCID ACMG Specifications ADA V1.0.0. Collection method: curation. Allele origin: germline. Inheritance: Autosomal recessive inheritance.
Comment: The c.763G>T (p.Glu255Ter) (NM_000022.4) variant in ADA is a nonsense variant predicted to cause a premature stop codon in biologically-relevant-exon 8/12 leading to nonsense-mediated decay in a gene in which loss-of-function is an established disease mechanism (PVS1 Met). The variant is absent in gnomAD v4 (PM2_supporting).There are no publications for this variant in the literature. As per the SCID VCEP specifications and the Bayesian interpretation of the ACMG/AMP combining rules,1 very strong and 1 supporting criteria results in a Likely Pathogenic classification. Based on the above evidence, this variant can be classified as likely pathogenic for autosomal recessive SCID based on ACMG/AMP criteria applied, as specified by the ClinGen SCID VCEP(specification version 1.0):PVS1 Met,PM2_supporting.

CeGaT Center for Human Genetics Tuebingen
Classification: Pathogenic. Last evaluated: 2022-12-01. Review status: criteria provided, single submitter. Criteria: CeGaT Center For Human Genetics Tuebingen Variant Classification Criteria Version 2. Collection method: clinical testing. Allele origin: germline. Affected: yes. Observed: 2 variant alleles. Not counted in ClinVar's aggregate classification.
Comment: ADA: PVS1, PM2

NM_000022.4(ADA):c.763G>T (p.Glu255Ter)

Gene: ADA (adenosine deaminase; minus strand). Cytogenetic location: 20q13.12.
Variant type: single nucleotide variant.
Coding change: c.763G>T on transcript NM_000022.4 (MANE Select); coding-DNA position 763, G replaced by T.
Protein change: p.Glu255Ter; replaces glutamic acid 255 with a stop codon.
Molecular consequence: nonsense. On other transcripts: non-coding transcript variant (1).
Genome position (GRCh38, 1-based): chr20:44,622,846, C>A on the plus strand (G>T on the coding strand, the complement: ADA is on the minus strand). VCF-style: chr20-44622846-C-A. GRCh37 (hg19) VCF-style: chr20-43251487-C-A.
Other names: NM_000022.4(ADA):c.763G>T; p.Glu255Ter; c.358G>T, p.Glu120Ter (NM_001322050.2); c.691G>T, p.Glu231Ter (NM_001322051.2); short protein forms E120*, E231*, E255*.
Identifiers: ClinVar variation 1335461 (VCV001335461.36), dbSNP rs2123517896, ClinGen allele CA409120184.
Genomic context (GRCh38, chr20:44,622,846, plus strand): 5'-GGACAGCCGGGGATGGTTCCTCCCCACTCCCTGGCCCGCTTACCTCGAAGTGCATGTTTT[C>A]CTGCCGCAGCCTGTTATAAAGGGCCTGGTCTTCCAGGGTGTGGTAGCCGTGTCCCAGCCG-3'